The following is an entry in ClinVar:

NM_002693.3(POLG):c.126GCA[20] (p.Gln47_Gln55dup)

Genes: POLG (DNA polymerase gamma, catalytic subunit; minus strand), POLGARF (POLG alternative reading frame; minus strand). Cytogenetic location: 15q26.1.
Variant type: Microsatellite.
Coding change: c.126GCA[20] on transcript NM_002693.3 (MANE Select); 20 copies in a row of the 3-base unit GCA starting at c.126; the reference has 11 copies in a row; nine copies, 27 bases duplicated.
Protein change: p.Gln47_Gln55dup.
Molecular consequence: inframe insertion.
Genome position (GRCh38, 1-based): chr15:89,333,597-89,333,623, TGCTGCTGCTGCTGCTGCTGCTGCTGC duplicated on the plus strand (GCAGCAGCAGCAGCAGCAGCAGCAGCA on the coding strand, the reverse complement: POLG is on the minus strand); duplicating any 27 consecutive bases within chr15:89,333,597-89,333,629 gives the same sequence; the position shown is the placement nearest the transcript's 3' end. VCF-style (leftmost placement, unchanged base first): chr15-89333596-T-TTGCTGCTGCTGCTGCTGCTGCTGCTGC. GRCh37 (hg19) VCF-style: chr15-89876827-T-TTGCTGCTGCTGCTGCTGCTGCTGCTGC.
Other names: c.126GCA[20], p.Gln47_Gln55dup (NM_001126131.2).
Identifiers: ClinVar variation 1024521 (VCV001024521.9), dbSNP rs41550117, ClinGen allele CA716918173.

ClinVar aggregate classification (germline): Uncertain significance (1 of 4 stars; one submission).

Conditions:
Progressive sclerosing poliodystrophy (MTDPS4A). Also called: ALPERS PROGRESSIVE INFANTILE POLIODYSTROPHY; ALPERS DIFFUSE DEGENERATION OF CEREBRAL GRAY MATTER WITH HEPATIC CIRRHOSIS; Alpers-Huttenlocher Syndrome; NEURONAL DEGENERATION OF CHILDHOOD WITH LIVER DISEASE, PROGRESSIVE; Alpers Syndrome; Mitochondrial DNA Depletion Syndrome 4A. Identifiers: Orphanet 726, MedGen C0205710, MONDO:0008758, OMIM 203700.

Submission:

Labcorp Genetics (formerly Invitae), Labcorp
Classification: Uncertain significance for Progressive sclerosing poliodystrophy. Last evaluated: 2024-07-30. Review status: criteria provided, single submitter. Criteria: Invitae Variant Classification Sherloc (09022015). Collection method: clinical testing. Allele origin: germline.
Comment: This variant, c.132_158dup, results in the insertion of 9 amino acid(s) of the POLG protein (p.Gln47_Gln55dup), but otherwise preserves the integrity of the reading frame. This variant is not present in population databases (gnomAD no frequency). This variant has not been reported in the literature in individuals affected with POLG-related conditions. Experimental studies and prediction algorithms are not available or were not evaluated, and the functional significance of this variant is currently unknown. In summary, the available evidence is currently insufficient to determine the role of this variant in disease. Therefore, it has been classified as a Variant of Uncertain Significance.